The following is an entry in ClinVar:

NM_024753.5(TTC21B):c.61C>A (p.His21Asn)

Gene: TTC21B (tetratricopeptide repeat domain 21B; minus strand). Cytogenetic location: 2q24.3.
Variant type: single nucleotide variant.
Coding change: c.61C>A on transcript NM_024753.5 (MANE Select); coding-DNA position 61, C replaced by A.
Protein change: p.His21Asn; replaces histidine 21 with asparagine.
Molecular consequence: missense variant.
Genome position (GRCh38, 1-based): chr2:165,949,685, G>T on the plus strand (C>A on the coding strand, the complement: TTC21B is on the minus strand). VCF-style: chr2-165949685-G-T. GRCh37 (hg19) VCF-style: chr2-166806195-G-T.
Other names: c.61C>A (NM_024753.4); short protein forms H21N.
Identifiers: ClinVar variation 2053910 (VCV002053910.3), dbSNP rs1232978941, ClinGen allele CA349056478.
Genomic context (GRCh38, chr2:165,949,685, plus strand): 5'-ACCTGAAGACTGGATCACTTCCATACCTCTTAATTCCTTCACTGGCAACCAGTAATACAT[G>T]ATGGAAATATCTCTCTTGACAATAGTAATTAATCAAAGTCTAAATGGAAATAATGAAAAA-3'
Protein context (NP_079029.3, residues 11-31): NYYCQERYFH[His21Asn]VLLVASEGIK

ClinVar aggregate classification (germline): Uncertain significance. Review status: criteria provided, multiple submitters, no conflicts (2 of 4 stars). 2 submissions from 2 submitters: Uncertain significance (2). Last evaluated 2025-03-26.

Conditions:
TTC21B-related disorder. Also called: TTC21B-related condition; TTC21B-related disorders.
Nephronophthisis. Also called: Juvenile Nephronophthisis. Identifiers: Orphanet 655, MedGen C0687120, MONDO:0019005, HP:0000090.
Jeune thoracic dystrophy. Also called: Jeune syndrome; Infantile thoracic dystrophy; Thoracic pelvic phalangeal dystrophy; Jeune's syndrome; Chondroectodermal dysplasia-like syndrome; Short-rib thoracic dysplasia. Identifiers: Orphanet 474, MedGen C0265275, MONDO:0018770.

Allele frequency attached by ClinVar (database versions not stated): gnomAD exomes below 0.00001; gnomAD 0.00001; TOPMed 0.00001.
gnomAD v4.1: 3 of 1,612,178 alleles (0.00019%); highest among the groups gnomAD compares: Non-Finnish European, 0.00025%; no homozygotes.

Submissions (2):

PreventionGenetics, part of Exact Sciences
Classification: Uncertain significance for TTC21B-related condition. Last evaluated: 2025-03-26. Review status: criteria provided, single submitter. Criteria: ACMG Guidelines, 2015. Collection method: clinical testing. Allele origin: germline.
Comment: The TTC21B c.61C>A variant is predicted to result in the amino acid substitution p.His21Asn. To our knowledge, this variant has not been reported in the literature or in a large population database (gnomAD), indicating this variant is rare. At this time, the clinical significance of this variant is uncertain due to the absence of conclusive functional and genetic evidence.

Labcorp Genetics (formerly Invitae), Labcorp
Classification: Uncertain significance for Jeune thoracic dystrophy; Nephronophthisis. Last evaluated: 2022-05-31. Review status: criteria provided, single submitter. Criteria: Invitae Variant Classification Sherloc (09022015). Collection method: clinical testing. Allele origin: germline.
Comment: This sequence change replaces histidine, which is basic and polar, with asparagine, which is neutral and polar, at codon 21 of the TTC21B protein (p.His21Asn). This variant is not present in population databases (gnomAD no frequency). This variant has not been reported in the literature in individuals affected with TTC21B-related conditions. Algorithms developed to predict the effect of missense changes on protein structure and function are either unavailable or do not agree on the potential impact of this missense change (SIFT: "Tolerated"; PolyPhen-2: "Possibly Damaging"; Align-GVGD: "Class C0"). In summary, the available evidence is currently insufficient to determine the role of this variant in disease. Therefore, it has been classified as a Variant of Uncertain Significance.